The following is an entry in ClinVar:

ClinVar aggregate classification (germline): Uncertain significance (1 of 4 stars; one submission).

Submission:

Labcorp Genetics (formerly Invitae), Labcorp
Classification: Uncertain significance. Last evaluated: 2025-06-20. Review status: criteria provided, single submitter. Criteria: Invitae Variant Classification Sherloc (09022015). Collection method: clinical testing. Allele origin: germline.
Comment: This variant, c.174_185del, results in the deletion of 4 amino acid(s) of the RUNX2 protein (p.Gln68_Gln71del), but otherwise preserves the integrity of the reading frame. This variant is not present in population databases (gnomAD no frequency). This variant has not been reported in the literature in individuals affected with RUNX2-related conditions. Experimental studies and prediction algorithms are not available or were not evaluated, and the functional significance of this variant is currently unknown. In summary, the available evidence is currently insufficient to determine the role of this variant in disease. Therefore, it has been classified as a Variant of Uncertain Significance.

NM_001024630.4(RUNX2):c.174_185del (p.Gln68_Gln71del)

Genes: RUNX2 (RUNX family transcription factor 2; plus strand), LOC109611589 (runt related transcription factor 2 polyalanine expansion region; plus strand). Cytogenetic location: 6p21.1.
Variant type: Deletion.
Coding change: c.174_185del on transcript NM_001024630.4 (MANE Select); coding-DNA positions 174 to 185, 12 bases deleted (ACAGCAGCAGCA).
Protein change: p.Gln68_Gln71del.
Genome position (GRCh38, 1-based): chr6:45,422,708-45,422,719, ACAGCAGCAGCA deleted; deleting any 12 consecutive bases within chr6:45,422,697-45,422,719 gives the same sequence; the c. name uses the placement nearest the transcript's 3' end. VCF-style (leftmost placement, unchanged base first): chr6-45422696-GCAGCAGCAGCAA-G. GRCh37 (hg19) VCF-style: chr6-45390433-GCAGCAGCAGCAA-G.
Other names: c.174_185del, p.Gln68_Gln71del (NM_001015051.4); c.132_143del, p.Gln54_Gln57del (NM_001278478.2, NM_001369405.1).
Identifiers: ClinVar variation 4801921 (VCV004801921.1).